The following is an entry in ClinVar:

ClinVar aggregate classification (germline): Likely benign. Review status: criteria provided, single submitter (1 of 4 stars). 2 submissions from 2 submitters: Likely benign (1). 1 of the submissions does not count toward it. Last evaluated 2026-01-05.

Conditions:
Congenital myasthenic syndrome 20. Also called: Myasthenic syndrome, congenital, 20, presynaptic. Identifiers: MedGen C4310694, MONDO:0014939, OMIM 617143.
Neuronopathy, distal hereditary motor, type 7A. Also called: NEURONOPATHY, DISTAL HEREDITARY MOTOR, HARDING TYPE VIIA; NEUROPATHY, DISTAL HEREDITARY MOTOR, HARDING TYPE VIIA; SPINAL MUSCULAR ATROPHY, DISTAL, WITH VOCAL CORD PARALYSIS; Neuronopathy, distal hereditary motor, type viia; Neuronopathy, distal hereditary motor, autosomal dominant 7; HARPER-YOUNG MYOPATHY. Identifiers: Orphanet 139589, MedGen C1834703, MONDO:0008024, OMIM 158580.
SLC5A7-related disorder. Also called: SLC5A7-related condition.

Allele frequency attached by ClinVar (database versions not stated): gnomAD exomes 0.00006 and 0.00005; ExAC 0.00007; TOPMed 0.00082; 1000 Genomes Project 30x 0.00094; ESP Exome Variant Server 0.00008; gnomAD 0.00044 and 0.00046; 1000 Genomes Project 0.00060.
gnomAD v4.1: 157 of 1,609,160 alleles (0.0098%); highest among the groups gnomAD compares: Admixed American, 0.15%; 1 homozygote.

Submissions (2):

Labcorp Genetics (formerly Invitae), Labcorp
Classification: Likely benign for Neuronopathy, distal hereditary motor, type 7A; Congenital myasthenic syndrome 20. Last evaluated: 2026-01-05. Review status: criteria provided, single submitter. Criteria: Invitae Variant Classification Sherloc (09022015). Collection method: clinical testing. Allele origin: germline.

PreventionGenetics, part of Exact Sciences
Classification: Likely benign for SLC5A7-related condition. Last evaluated: 2019-11-25. Review status: no assertion criteria provided. Collection method: clinical testing. Allele origin: germline. Not counted in ClinVar's aggregate classification.
Comment: This variant is classified as likely benign based on ACMG/AMP sequence variant interpretation guidelines (Richards et al. 2015 PMID: 25741868, with internal and published modifications).

NM_021815.5(SLC5A7):c.1113+9A>G

Gene: SLC5A7 (solute carrier family 5 member 7; plus strand). Cytogenetic location: 2q12.3.
Variant type: single nucleotide variant.
Coding change: c.1113+9A>G on transcript NM_021815.5 (MANE Select); 9 bases into the intron after coding-DNA position 1113, A replaced by G.
Molecular consequence: intron variant.
Genome position (GRCh38, 1-based): chr2:108,008,691, A>G. VCF-style: chr2-108008691-A-G. GRCh37 (hg19) VCF-style: chr2-108625147-A-G.
Other names: c.1113+9A>G (NM_021815.4, NM_001305005.3); c.372+9A>G (NM_001305007.3); c.798+9A>G (NM_001305006.3).
Identifiers: ClinVar variation 705592 (VCV000705592.12), dbSNP rs192964655, ClinGen allele CA1819114.